The following is an entry in ClinVar:

ClinVar aggregate classification (germline): Likely pathogenic (1 of 4 stars; one submission).

Conditions:
Dilated cardiomyopathy 1G (CMD1G). Identifiers: Orphanet 154, MedGen C1858763, MONDO:0011400, OMIM 604145.
Autosomal recessive limb-girdle muscular dystrophy type 2J (LGMDR10). Also called: Limb-girdle muscular dystrophy, type 2J; MUSCULAR DYSTROPHY, LIMB-GIRDLE, AUTOSOMAL RECESSIVE 10. Identifiers: Orphanet 140922, MedGen C1837342, MONDO:0012127, OMIM 608807.

Submission:

Labcorp Genetics (formerly Invitae), Labcorp
Classification: Likely pathogenic for Dilated cardiomyopathy 1G; Autosomal recessive limb-girdle muscular dystrophy type 2J. Last evaluated: 2024-08-28. Review status: criteria provided, single submitter. Criteria: Invitae Variant Classification Sherloc (09022015). Collection method: clinical testing. Allele origin: germline.
Comment: This sequence change creates a premature translational stop signal (p.Asn2527*) in the TTN gene. While this is not anticipated to result in nonsense mediated decay, it is expected to create a truncated TTN protein. This variant is not present in population databases (gnomAD no frequency). This variant has not been reported in the literature in individuals affected with TTN-related conditions. Algorithms developed to predict the effect of sequence changes on RNA splicing suggest that this variant may disrupt the consensus splice site. This variant is located in the I band of TTN (PMID: 25589632). Truncating variants in this region have been reported in individuals affected with autosomal recessive centronuclear myopathy (PMID: 23975875, internal data). Truncating variants in this region have also been identified in individuals affected with autosomal dominant dilated cardiomyopathy and/or cardio-related conditions (PMID: 27869827, 32964742, internal data). In summary, the currently available evidence indicates that the variant is pathogenic, but additional data are needed to prove that conclusively. Therefore, this variant has been classified as Likely Pathogenic.

Literature cited by the submitters: PubMed 25589632; PubMed 23975875; PubMed 27869827; PubMed 32964742.

NM_001267550.2(TTN):c.7578dup (p.Asn2527Ter)

Gene: TTN (titin; minus strand). Cytogenetic location: 2q31.2.
Variant type: Duplication.
Coding change: c.7578dup on transcript NM_001267550.2 (MANE Select); coding-DNA position 7578, one base duplicated (T; older notation c.7578dupT).
Protein change: p.Asn2527Ter; replaces asparagine 2527 with a stop codon.
Molecular consequence: nonsense.
Genome position (GRCh38, 1-based): chr2:178,773,478, A duplicated on the plus strand (T on the coding strand, the reverse complement: TTN is on the minus strand). VCF-style (leftmost placement, unchanged base first): chr2-178773477-T-TA. GRCh37 (hg19) VCF-style: chr2-179638204-T-TA.
Other names: c.7578dup, p.Asn2527Ter (NM_001256850.1, NM_133378.4, NM_133379.5); c.7440dup, p.Asn2481Ter (NM_003319.4, NM_133432.3, NM_133437.4); short protein forms N2481*, N2527*.
Identifiers: ClinVar variation 3757849 (VCV003757849.2).